The following is an entry in ClinVar:

ClinVar aggregate classification (germline): Pathogenic (1 of 4 stars; one submission).

Conditions:
Ataxia-telangiectasia syndrome (AT). Also called: ATAXIA-TELANGIECTASIA, COMPLEMENTATION GROUP A; ATAXIA-TELANGIECTASIA, FRESNO VARIANT; Ataxia-telangiectasia; LOUIS-BAR SYNDROME; Cerebello-oculocutaneous telangiectasia; Immunodeficiency with ataxia telangiectasia. Identifiers: Orphanet 100, MedGen C0004135, MONDO:0008840, OMIM 208900.

Submission:

Labcorp Genetics (formerly Invitae), Labcorp
Classification: Pathogenic for Ataxia-telangiectasia syndrome. Last evaluated: 2025-08-17. Review status: criteria provided, single submitter. Criteria: Invitae Variant Classification Sherloc (09022015). Collection method: clinical testing. Allele origin: germline.
Comment: This sequence change creates a premature translational stop signal (p.Leu804Cysfs*4) in the ATM gene. It is expected to result in an absent or disrupted protein product. Loss-of-function variants in ATM are known to be pathogenic (PMID: 23807571, 25614872). This variant is not present in population databases (gnomAD no frequency). This variant has not been reported in the literature in individuals affected with ATM-related conditions. Algorithms developed to predict the effect of sequence changes on RNA splicing suggest that this variant may disrupt the consensus splice site. For these reasons, this variant has been classified as Pathogenic.

Literature cited by the submitters: PubMed 23807571; PubMed 25614872.

NM_000051.4(ATM):c.2410del (p.Leu804fs)

Gene: ATM (ATM serine/threonine kinase; plus strand). Cytogenetic location: 11q22.3.
Variant type: Deletion.
Coding change: c.2410del on transcript NM_000051.4 (MANE Select); coding-DNA position 2410, one base deleted (C; older notation c.2410delC).
Protein change: p.Leu804fs; shifts the reading frame from leucine 804.
Molecular consequence: frameshift variant.
Genome position (GRCh38, 1-based): chr11:108,259,019, C deleted; the last of 2 consecutive C bases (chr11:108,259,018-108,259,019); deleting either gives the same sequence. VCF-style (leftmost placement, unchanged base first): chr11-108259017-TC-T. GRCh37 (hg19) VCF-style: chr11-108129744-TC-T.
Other names: c.2410del, p.Leu804fs (NM_001351834.2); short protein forms L804fs.
Identifiers: ClinVar variation 4725543 (VCV004725543.1).